The following is an entry in ClinVar:

NM_021098.3(CACNA1H):c.1820G>A (p.Gly607Glu)

Gene: CACNA1H (calcium voltage-gated channel subunit alpha1 H; plus strand). Cytogenetic location: 16p13.3.
Variant type: single nucleotide variant.
Coding change: c.1820G>A on transcript NM_021098.3 (MANE Select); coding-DNA position 1820, G replaced by A.
Protein change: p.Gly607Glu; replaces glycine 607 with glutamic acid.
Molecular consequence: missense variant.
Genome position (GRCh38, 1-based): chr16:1,202,270, G>A. VCF-style: chr16-1202270-G-A. GRCh37 (hg19) VCF-style: chr16-1252270-G-A.
Other names: c.1820G>A, p.Gly607Glu (NM_001005407.2); short protein forms G607E.
Identifiers: ClinVar variation 1471995 (VCV001471995.8), dbSNP rs781017160, ClinGen allele CA394162540.

ClinVar aggregate classification (germline): Uncertain significance (1 of 4 stars; one submission).

Conditions:
Idiopathic generalized epilepsy. Also called: Generalised epilepsy; EIG. Identifiers: MedGen C0270850, MONDO:0005579, OMIM 600669.
Hyperaldosteronism, familial, type IV (HALD4). Also called: FH IV; ALDOSTERONISM, PRIMARY, AND HYPERTENSION. Identifiers: Orphanet 642671, MedGen C4310756, MONDO:0014875, OMIM 617027.

Submission:

Labcorp Genetics (formerly Invitae), Labcorp
Classification: Uncertain significance for Idiopathic generalized epilepsy; Hyperaldosteronism, familial, type IV. Last evaluated: 2020-12-24. Review status: criteria provided, single submitter. Criteria: Invitae Variant Classification Sherloc (09022015). Collection method: clinical testing. Allele origin: germline.
Comment: In summary, the available evidence is currently insufficient to determine the role of this variant in disease. Therefore, it has been classified as a Variant of Uncertain Significance. Advanced modeling of protein sequence and biophysical properties (such as structural, functional, and spatial information, amino acid conservation, physicochemical variation, residue mobility, and thermodynamic stability) performed at Invitae indicates that this missense variant is not expected to disrupt CACNA1H protein function. This variant has not been reported in the literature in individuals with CACNA1H-related conditions. This variant is not present in population databases (ExAC no frequency). This sequence change replaces glycine with glutamic acid at codon 607 of the CACNA1H protein (p.Gly607Glu). The glycine residue is moderately conserved and there is a moderate physicochemical difference between glycine and glutamic acid.